The following is an entry in ClinVar:

ClinVar aggregate classification (germline): Pathogenic (1 of 4 stars; one submission).

Conditions:
Phelan-McDermid syndrome. Also called: Phelan-McDermid Syndrome-SHANK3 Related; TELOMERIC 22q13 MONOSOMY SYNDROME; 22q13.3 deletion syndrome. Identifiers: Orphanet 48652, MedGen C1853490, MONDO:0011652, OMIM 606232.

Submission:

Victorian Clinical Genetics Services, Murdoch Childrens Research Institute
Classification: Pathogenic for Phelan-McDermid syndrome. Last evaluated: 2026-02-13. Review status: criteria provided, single submitter. Criteria: ACMG Guidelines, 2015. Collection method: clinical testing. Allele origin: germline. Affected: yes.
Comment: This variant is classified as Pathogenic. Evidence in support of pathogenic classification: Variant is predicted to cause nonsense-mediated decay (NMD) and loss of protein (premature termination codon is located at least 54 nucleotides upstream of the final exon-exon junction); Variant is absent from gnomAD (v2, v3 and v4); Other NMD-predicted variants comparable to the one identified in this case have very strong previous evidence for pathogenicity (ClinVar). Additional information: This variant is heterozygous; This gene is associated with autosomal dominant disease; Loss of function is a known mechanism of disease in this gene and is associated with Phelan-McDermid syndrome (MIM#606232); Variants in this gene are known to have variable expressivity (OMIM, PMID: 20301377); Inheritance information for this variant is not currently available in this individual.

Literature cited by the submitters: PubMed 20301377.

NM_001372044.2(SHANK3):c.4271dup (p.Pro1424_Glu1425insTer)

Gene: SHANK3 (SH3 and multiple ankyrin repeat domains 3; plus strand). Cytogenetic location: 22q13.33.
Variant type: Duplication.
Coding change: c.4271dup on transcript NM_001372044.2 (MANE Select); coding-DNA position 4271, one base duplicated (C; older notation c.4271dupC).
Protein change: p.Pro1424_Glu1425insTer.
Molecular consequence: frameshift variant.
Genome position (GRCh38, 1-based): chr22:50,721,879, C duplicated; the last of 4 consecutive C bases (chr22:50,721,876-50,721,879); duplicating any one gives the same sequence. VCF-style (leftmost placement, unchanged base first): chr22-50721875-G-GC. GRCh37 (hg19) VCF-style: chr22-51160303-G-GC.
Identifiers: ClinVar variation 4879689 (VCV004879689.1).